The following is an entry in ClinVar:

ClinVar aggregate classification (germline): Uncertain significance (1 of 4 stars; one submission).

Submission:

GeneDx
Classification: Uncertain significance. Last evaluated: 2017-08-29. Review status: criteria provided, single submitter. Criteria: GeneDx Variant Classification (06012015). Collection method: clinical testing. Allele origin: germline. Affected: yes.
Comment: The c.2131-14_2131-4del11 variant in the NPC1 gene has not been reported previously as a pathogenic variant, nor as a benign variant, to our knowledge. This variant is predicted to destroy the splice acceptor site in intron 13, and is expected to cause abnormal gene splicing. However, in the absence of RNA/functional studies, the actual effect of c.2131-14_2131-4del11 in this individual is unknown. The c.2131-14_2131-4del11 variant is not observed in large population cohorts (Lek et al., 2016; 1000 Genomes Consortium et al., 2015; Exome Variant Server). We interpret c.2131-14_2131-4del11 as a variant of uncertain significance.

NM_000271.5(NPC1):c.2131-14_2131-4del

Gene: NPC1 (NPC intracellular cholesterol transporter 1; minus strand). Cytogenetic location: 18q11.2.
Variant type: Deletion.
Coding change: c.2131-14_2131-4del on transcript NM_000271.5 (MANE Select); 14 bases into the intron before coding-DNA position 2131 through 4 bases into the intron before coding-DNA position 2131, 11 bases deleted (TTTTTTTTTTT).
Molecular consequence: intron variant.
Genome position (GRCh38, 1-based): chr18:23,543,573-23,543,583, AAAAAAAAAAA deleted on the plus strand (TTTTTTTTTTT on the coding strand, the reverse complement: NPC1 is on the minus strand); deleting any 11 consecutive bases within chr18:23,543,573-23,543,590 gives the same sequence; the c. name uses the placement nearest the transcript's 3' end. VCF-style (leftmost placement, unchanged base first): chr18-23543572-TAAAAAAAAAAA-T. GRCh37 (hg19) VCF-style: chr18-21123536-TAAAAAAAAAAA-T.
Other names: c.2131-14_2131-4delTTTTTTTTTTT (NM_000271.4).
Identifiers: ClinVar variation 451827 (VCV000451827.2), dbSNP rs11299077, ClinGen allele CA658658727.